The following is an entry in ClinVar:

NM_007347.5(AP4E1):c.3210G>C (p.Lys1070Asn)

Gene: AP4E1 (adaptor related protein complex 4 subunit epsilon 1; plus strand). Cytogenetic location: 15q21.2.
Variant type: single nucleotide variant.
Coding change: c.3210G>C on transcript NM_007347.5 (MANE Select); coding-DNA position 3210, G replaced by C.
Protein change: p.Lys1070Asn; replaces lysine 1070 with asparagine.
Molecular consequence: missense variant.
Genome position (GRCh38, 1-based): chr15:51,001,140, G>C. VCF-style: chr15-51001140-G-C. GRCh37 (hg19) VCF-style: chr15-51293337-G-C.
Other names: c.2985G>C, p.Lys995Asn (NM_001252127.2); c.3210G>C (NM_007347.3); short protein forms K995N, K1070N.
Identifiers: ClinVar variation 2181058 (VCV002181058.4), dbSNP rs772646477, ClinGen allele CA7559462.

ClinVar aggregate classification (germline): Uncertain significance. Review status: criteria provided, multiple submitters, no conflicts (2 of 4 stars). 2 submissions from 2 submitters: Uncertain significance (2). Last evaluated 2025-10-14.

Conditions:
Inborn genetic diseases. Identifiers: MedGen C0950123, MeSH D030342.
Spastic paraplegia. Identifiers: MedGen C0037772, HP:0001258.

Allele frequency attached by ClinVar (database versions not stated): gnomAD 0.00001; gnomAD exomes 0.00001; TOPMed 0.00001; ExAC 0.00002.
gnomAD v4.1: 11 of 1,613,528 alleles (0.00068%); highest among the groups gnomAD compares: Admixed American, 0.0033%; no homozygotes.

Submissions (2):

Ambry Genetics
Classification: Uncertain significance for Inborn genetic diseases. Last evaluated: 2025-10-14. Review status: criteria provided, single submitter. Criteria: Ambry Variant Classification Scheme 2023. Collection method: clinical testing. Allele origin: germline.

Labcorp Genetics (formerly Invitae), Labcorp
Classification: Uncertain significance for Spastic paraplegia. Last evaluated: 2025-07-21. Review status: criteria provided, single submitter. Criteria: Invitae Variant Classification Sherloc (09022015). Collection method: clinical testing. Allele origin: germline.
Comment: This sequence change replaces lysine, which is basic and polar, with asparagine, which is neutral and polar, at codon 1070 of the AP4E1 protein (p.Lys1070Asn). This variant is present in population databases (rs772646477, gnomAD 0.003%). This variant has not been reported in the literature in individuals affected with AP4E1-related conditions. ClinVar contains an entry for this variant (Variation ID: 2181058). An algorithm developed to predict the effect of missense changes on protein structure and function (PolyPhen-2) suggests that this variant is likely to be tolerated. In summary, the available evidence is currently insufficient to determine the role of this variant in disease. Therefore, it has been classified as a Variant of Uncertain Significance.